The following is an entry in ClinVar:

ClinVar aggregate classification (germline): Uncertain significance (1 of 4 stars; one submission).

Submission:

Labcorp Genetics (formerly Invitae), Labcorp
Classification: Uncertain significance. Last evaluated: 2025-11-16. Review status: criteria provided, single submitter. Criteria: Invitae Variant Classification Sherloc (09022015). Collection method: clinical testing. Allele origin: germline.
Comment: This sequence change replaces lysine, which is basic and polar, with arginine, which is basic and polar, at codon 175 of the XRCC2 protein (p.Lys175Arg). This variant is not present in population databases (gnomAD no frequency). This variant has not been reported in the literature in individuals affected with XRCC2-related conditions. Invitae Evidence Modeling of protein sequence and biophysical properties (such as structural, functional, and spatial information, amino acid conservation, physicochemical variation, residue mobility, and thermodynamic stability) indicates that this missense variant is not expected to disrupt XRCC2 protein function with a negative predictive value of 80%. In summary, the available evidence is currently insufficient to determine the role of this variant in disease. Therefore, it has been classified as a Variant of Uncertain Significance.

NM_005431.2(XRCC2):c.524A>G (p.Lys175Arg)

Gene: XRCC2 (X-ray repair cross complementing 2; minus strand). Cytogenetic location: 7q36.1.
Variant type: single nucleotide variant.
Coding change: c.524A>G on transcript NM_005431.2 (MANE Select); coding-DNA position 524, A replaced by G.
Protein change: p.Lys175Arg; replaces lysine 175 with arginine.
Molecular consequence: missense variant.
Genome position (GRCh38, 1-based): chr7:152,648,961, T>C on the plus strand (A>G on the coding strand, the complement: XRCC2 is on the minus strand). VCF-style: chr7-152648961-T-C. GRCh37 (hg19) VCF-style: chr7-152346046-T-C.
Other names: short protein forms K175R.
Identifiers: ClinVar variation 4805678 (VCV004805678.1).